The following is an entry in ClinVar:

NM_001367624.2(ZNF469):c.10725G>A (p.Leu3575=)

Gene: ZNF469 (zinc finger protein 469; plus strand). Cytogenetic location: 16q24.2.
Variant type: single nucleotide variant.
Coding change: c.10725G>A on transcript NM_001367624.2 (MANE Select); coding-DNA position 10725, G replaced by A.
Protein change: p.Leu3575=; no amino-acid change (leucine 3575 retained).
Molecular consequence: synonymous variant.
Genome position (GRCh38, 1-based): chr16:88,438,195, G>A. VCF-style: chr16-88438195-G-A. GRCh37 (hg19) VCF-style: chr16-88504603-G-A.
Identifiers: ClinVar variation 5041134 (VCV005041134.1).
Genomic context (GRCh38, chr16:88,438,195, plus strand): 5'-GTCTCCCTTCCCAGCTGCCTTGGCTGATGGCAGAGGAGACTGCGCGCTGGACGGAGCCCT[G>A]GAGAGGCCAGAGAACGAGGCTTCCCCAGGCAGCCCCGGGCCTCTTCTCCAGCAAGCTCTC-3'
Protein context (NP_001354553.1, residues 3565-3585): GRGDCALDGA[Leu3575=]ERPENEASPG

ClinVar aggregate classification (germline): Likely benign (1 of 4 stars; one submission).

gnomAD v4.1: 39 of 1,547,816 alleles (0.0025%); highest among the groups gnomAD compares: Non-Finnish European, 0.0031%; no homozygotes.

Submission:

CeGaT Center for Human Genetics Tuebingen
Classification: Likely benign. Last evaluated: 2026-09-01. Review status: criteria provided, single submitter. Criteria: CeGaT Center For Human Genetics Tuebingen Variant Classification Criteria Version 2. Collection method: clinical testing. Allele origin: germline. Affected: yes. Observed: 1 variant allele.
Comment: ZNF469: BP4, BP7